The following is an entry in ClinVar:

ClinVar aggregate classification (germline): Uncertain significance (1 of 4 stars; one submission).

gnomAD v4.1: 5 of 1,613,278 alleles (0.00031%); highest among the groups gnomAD compares: Non-Finnish European, 0.00042%; no homozygotes.

Submission:

Labcorp Genetics (formerly Invitae), Labcorp
Classification: Uncertain significance. Last evaluated: 2024-12-10. Review status: criteria provided, single submitter. Criteria: Invitae Variant Classification Sherloc (09022015). Collection method: clinical testing. Allele origin: germline.
Comment: This sequence change replaces valine, which is neutral and non-polar, with alanine, which is neutral and non-polar, at codon 396 of the CFI protein (p.Val396Ala). This variant is present in population databases (rs200447318, gnomAD 0.0009%). This variant has not been reported in the literature in individuals affected with CFI-related conditions. Invitae Evidence Modeling of protein sequence and biophysical properties (such as structural, functional, and spatial information, amino acid conservation, physicochemical variation, residue mobility, and thermodynamic stability) indicates that this missense variant is not expected to disrupt CFI protein function with a negative predictive value of 80%. In summary, the available evidence is currently insufficient to determine the role of this variant in disease. Therefore, it has been classified as a Variant of Uncertain Significance.

NM_000204.5(CFI):c.1187T>C (p.Val396Ala)

Gene: CFI (complement factor I; minus strand). Cytogenetic location: 4q25.
Variant type: single nucleotide variant.
Coding change: c.1187T>C on transcript NM_000204.5 (MANE Select); coding-DNA position 1187, T replaced by C.
Protein change: p.Val396Ala; replaces valine 396 with alanine.
Molecular consequence: missense variant. On other transcripts: non-coding transcript variant (2).
Genome position (GRCh38, 1-based): chr4:109,746,464, A>G on the plus strand (T>C on the coding strand, the complement: CFI is on the minus strand). VCF-style: chr4-109746464-A-G. GRCh37 (hg19) VCF-style: chr4-110667620-A-G.
Other names: c.1211T>C, p.Val404Ala (NM_001318057.2, NM_001375278.1); c.1166T>C, p.Val389Ala (NM_001331035.2, NM_001375280.1, NM_001375282.1); c.1187T>C, p.Val396Ala (NM_001375279.1, NM_001375281.1); c.1130T>C, p.Val377Ala (NM_001375283.1); c.578T>C, p.Val193Ala (NM_001375284.1); short protein forms V193A, V377A, V389A, V396A, V404A.
Identifiers: ClinVar variation 3623859 (VCV003623859.2).